The following is an entry in ClinVar:

ClinVar aggregate classification (germline): Pathogenic (1 of 4 stars; one submission).

Conditions:
Arrhythmogenic right ventricular dysplasia 10. Also called: Arrhythmogenic Right Ventricular Dysplasia/Cardiomyopathy10; ARRHYTHMOGENIC RIGHT VENTRICULAR DYSPLASIA, FAMILIAL, 10; Arrhythmogenic right ventricular dysplasia/cardiomyopathy, type 10. Identifiers: MedGen C1857777, MONDO:0012434, OMIM 610193.

Submission:

Labcorp Genetics (formerly Invitae), Labcorp
Classification: Pathogenic for Arrhythmogenic right ventricular dysplasia 10. Last evaluated: 2019-05-16. Review status: criteria provided, single submitter. Criteria: Invitae Variant Classification Sherloc (09022015). Collection method: clinical testing. Allele origin: germline.
Comment: This sequence change creates a premature translational stop signal (p.Thr249Asnfs*19) in the DSG2 gene. It is expected to result in an absent or disrupted protein product. This variant is not present in population databases (ExAC no frequency). For these reasons, this variant has been classified as Pathogenic. Loss-of-function variants in DSG2 are known to be pathogenic (PMID: 23381804, 23911551). This variant has not been reported in the literature in individuals with DSG2-related conditions.

Literature cited by the submitters: PubMed 23381804; PubMed 23911551.

NM_001943.5(DSG2):c.745dup (p.Thr249fs)

Gene: DSG2 (desmoglein 2; plus strand). Cytogenetic location: 18q12.1.
Variant type: Duplication.
Coding change: c.745dup on transcript NM_001943.5 (MANE Select); coding-DNA position 745, one base duplicated (A; older notation c.745dupA).
Protein change: p.Thr249fs; shifts the reading frame from threonine 249.
Molecular consequence: frameshift variant.
Genome position (GRCh38, 1-based): chr18:31,524,502, A duplicated. VCF-style (leftmost placement, unchanged base first): chr18-31524501-T-TA. GRCh37 (hg19) VCF-style: chr18-29104464-T-TA.
Other names: short protein forms T249fs.
Identifiers: ClinVar variation 950905 (VCV000950905.7), dbSNP rs2073148989, ClinGen allele CA1139666004.